The following is an entry in ClinVar:

ClinVar aggregate classification (germline): Conflicting classifications of pathogenicity. Review status: criteria provided, conflicting classifications (1 of 4 stars). 3 submissions from 3 submitters: Uncertain significance (1); Likely benign (2). Last evaluated 2026-02-01.

Conditions:
Megaconial type congenital muscular dystrophy (MDCMC). Also called: CHKB-Related Muscular Dystrophy; CHKB-Related Muscle Diseases; MUSCULAR DYSTROPHY, CONGENITAL, WITH MITOCHONDRIAL STRUCTURAL ABNORMALITIES. Identifiers: Orphanet 280671, MedGen C1865233, MONDO:0011246, OMIM 602541.

Allele frequency attached by ClinVar (database versions not stated): gnomAD exomes 0.00003 and 0.00016; ExAC 0.00007; gnomAD 0.00007; TOPMed 0.00008.

Submissions (3):

Labcorp Genetics (formerly Invitae), Labcorp
Classification: Likely benign for Megaconial type congenital muscular dystrophy. Last evaluated: 2026-02-01. Review status: criteria provided, single submitter. Criteria: Invitae Variant Classification Sherloc (09022015). Collection method: clinical testing. Allele origin: germline.

Illumina Laboratory Services, Illumina
Classification: Uncertain significance for Megaconial type congenital muscular dystrophy. Last evaluated: 2018-01-12. Review status: criteria provided, single submitter. Criteria: ICSL Variant Classification Criteria 13 December 2019. Collection method: clinical testing. Allele origin: germline.

GeneDx
Classification: Likely benign. Last evaluated: 2016-09-30. Review status: criteria provided, single submitter. Criteria: GeneDx Variant Classification (06012015). Collection method: clinical testing. Allele origin: germline. Affected: yes.
Comment: This variant is considered likely benign or benign based on one or more of the following criteria: it is a conservative change, it occurs at a poorly conserved position in the protein, it is predicted to be benign by multiple in silico algorithms, and/or has population frequency not consistent with disease.

NM_005198.5(CHKB):c.219C>T (p.Pro73=)

Genes: CHKB-CPT1B (CHKB-CPT1B readthrough (NMD candidate); minus strand), CHKB (choline kinase beta; minus strand). Cytogenetic location: 22q13.33.
Variant type: single nucleotide variant.
Coding change: c.219C>T on transcript NM_005198.5 (MANE Select); coding-DNA position 219, C replaced by T.
Protein change: p.Pro73=; no amino-acid change (proline 73 retained).
Molecular consequence: synonymous variant. On other transcripts: non-coding transcript variant (1).
Genome position (GRCh38, 1-based): chr22:50,582,563, G>A on the plus strand (C>T on the coding strand, the complement: CHKB is on the minus strand). VCF-style: chr22-50582563-G-A. GRCh37 (hg19) VCF-style: chr22-51020992-G-A.
Identifiers: ClinVar variation 389435 (VCV000389435.15), dbSNP rs751273046, ClinGen allele CA10323882.